The following is an entry in ClinVar:

NM_005896.4(IDH1):c.826G>C (p.Val276Leu)

Gene: IDH1 (isocitrate dehydrogenase (NADP(+)) 1; minus strand). Cytogenetic location: 2q34.
Variant type: single nucleotide variant.
Coding change: c.826G>C on transcript NM_005896.4 (MANE Select); coding-DNA position 826, G replaced by C.
Protein change: p.Val276Leu; replaces valine 276 with leucine.
Molecular consequence: missense variant.
Genome position (GRCh38, 1-based): chr2:208,242,018, C>G on the plus strand (G>C on the coding strand, the complement: IDH1 is on the minus strand). VCF-style: chr2-208242018-C-G. GRCh37 (hg19) VCF-style: chr2-209106742-C-G.
Other names: c.826G>C, p.Val276Leu (NM_001282386.1, NM_001282387.1); short protein forms V276L.
Identifiers: ClinVar variation 3527505 (VCV003527505.1).

ClinVar aggregate classification (germline): Uncertain significance (1 of 4 stars; one submission).

Submission:

Ambry Genetics
Classification: Uncertain significance. Last evaluated: 2024-07-25. Review status: criteria provided, single submitter. Criteria: Ambry Variant Classification Scheme 2023. Collection method: clinical testing. Allele origin: germline.
Comment: The p.V276L variant (also known as c.826G>C), located in coding exon 5 of the IDH1 gene, results from a G to C substitution at nucleotide position 826. The valine at codon 276 is replaced by leucine, an amino acid with highly similar properties. This amino acid position is conserved. In addition, this alteration is predicted to be deleterious by in silico analysis. Based on the available evidence, the clinical significance of this variant remains unclear.